The following is an entry in ClinVar:

ClinVar aggregate classification (germline): Uncertain significance. Review status: criteria provided, multiple submitters, no conflicts (2 of 4 stars). 2 submissions from 2 submitters: Uncertain significance (2). Last evaluated 2025-04-24.

Conditions:
Myofibrillar myopathy 5. Also called: FILAMINOPATHY, AUTOSOMAL DOMINANT; Filaminopathy (type). Identifiers: Orphanet 171445, MedGen C1836050, MONDO:0012289, OMIM 609524.
Hypertrophic cardiomyopathy 26. Also called: Cardiomyopathy, familial hypertrophic, 26. Identifiers: Orphanet 75249, MedGen C4310749, MONDO:0014883, OMIM 617047.
Distal myopathy with posterior leg and anterior hand involvement. Also called: WILLIAMS DISTAL MYOPATHY. Identifiers: Orphanet 63273, MedGen C3279722, MONDO:0013550, OMIM 614065.
Cardiovascular phenotype. Identifiers: MedGen CN230736.

Allele frequency attached by ClinVar (database versions not stated): gnomAD 0.00001; gnomAD exomes 0.00001; TOPMed 0.00003.
gnomAD v4.1: 11 of 1,614,016 alleles (0.00068%); highest among the groups gnomAD compares: African/African-American, 0.0027%; no homozygotes.

Submissions (2):

Ambry Genetics
Classification: Uncertain significance for Cardiovascular phenotype. Last evaluated: 2025-04-24. Review status: criteria provided, single submitter. Criteria: Ambry Variant Classification Scheme 2023. Collection method: clinical testing. Allele origin: germline.
Comment: The p.Y281C variant (also known as c.842A>G), located in coding exon 4 of the FLNC gene, results from an A to G substitution at nucleotide position 842. The tyrosine at codon 281 is replaced by cysteine, an amino acid with highly dissimilar properties. This amino acid position is well conserved in available vertebrate species. In addition, this alteration is predicted to be deleterious by in silico analysis. Based on the available evidence, the clinical significance of this variant remains unclear.

Labcorp Genetics (formerly Invitae), Labcorp
Classification: Uncertain significance for Distal myopathy with posterior leg and anterior hand involvement; Myofibrillar myopathy 5; Hypertrophic cardiomyopathy 26. Last evaluated: 2023-08-22. Review status: criteria provided, single submitter. Criteria: Invitae Variant Classification Sherloc (09022015). Collection method: clinical testing. Allele origin: germline.
Comment: This variant is not present in population databases (gnomAD no frequency). In summary, the available evidence is currently insufficient to determine the role of this variant in disease. Therefore, it has been classified as a Variant of Uncertain Significance. Advanced modeling of protein sequence and biophysical properties (such as structural, functional, and spatial information, amino acid conservation, physicochemical variation, residue mobility, and thermodynamic stability) has been performed at Invitae for this missense variant, however the output from this modeling did not meet the statistical confidence thresholds required to predict the impact of this variant on FLNC protein function. ClinVar contains an entry for this variant (Variation ID: 947207). This variant has not been reported in the literature in individuals affected with FLNC-related conditions. This sequence change replaces tyrosine, which is neutral and polar, with cysteine, which is neutral and slightly polar, at codon 281 of the FLNC protein (p.Tyr281Cys).

NM_001458.5(FLNC):c.842A>G (p.Tyr281Cys)

Gene: FLNC (filamin C; plus strand). Cytogenetic location: 7q32.1.
Variant type: single nucleotide variant.
Coding change: c.842A>G on transcript NM_001458.5 (MANE Select); coding-DNA position 842, A replaced by G.
Protein change: p.Tyr281Cys; replaces tyrosine 281 with cysteine.
Molecular consequence: missense variant.
Genome position (GRCh38, 1-based): chr7:128,837,540, A>G. VCF-style: chr7-128837540-A-G. GRCh37 (hg19) VCF-style: chr7-128477594-A-G.
Other names: c.842A>G, p.Tyr281Cys (NM_001127487.2); short protein forms Y281C.
Identifiers: ClinVar variation 947207 (VCV000947207.11), dbSNP rs1202164075, ClinGen allele CA369222749.